The following is an entry in ClinVar:

ClinVar aggregate classification (germline): Uncertain significance (1 of 4 stars; one submission).

Conditions:
Hereditary cancer-predisposing syndrome. Also called: Neoplastic Syndromes, Hereditary; Tumor predisposition; Hereditary neoplastic syndrome; Hereditary Cancer Syndrome. Identifiers: Orphanet 140162, MedGen C0027672, MeSH D009386, MONDO:0015356.

Submission:

Ambry Genetics
Classification: Uncertain significance for Hereditary cancer-predisposing syndrome. Last evaluated: 2019-06-15. Review status: criteria provided, single submitter. Criteria: Ambry Variant Classification Scheme 2023. Collection method: clinical testing. Allele origin: germline.
Comment: The p.S1267A variant (also known as c.3799T>G), located in coding exon 22 of the PTCH1 gene, results from a T to G substitution at nucleotide position 3799. The serine at codon 1267 is replaced by alanine, an amino acid with similar properties. This amino acid position is well conserved in available vertebrate species. In addition, the in silico prediction for this alteration is inconclusive. Since supporting evidence is limited at this time, the clinical significance of this alteration remains unclear.

NM_000264.5(PTCH1):c.3799T>G (p.Ser1267Ala)

Gene: PTCH1 (patched 1; minus strand). Cytogenetic location: 9q22.32.
Variant type: single nucleotide variant.
Coding change: c.3799T>G on transcript NM_000264.5 (MANE Select); coding-DNA position 3799, T replaced by G.
Protein change: p.Ser1267Ala; replaces serine 1267 with alanine.
Molecular consequence: missense variant. On other transcripts: non-coding transcript variant (1).
Genome position (GRCh38, 1-based): chr9:95,449,074, A>C on the plus strand (T>G on the coding strand, the complement: PTCH1 is on the minus strand). VCF-style: chr9-95449074-A-C. GRCh37 (hg19) VCF-style: chr9-98211356-A-C.
Other names: c.3601T>G, p.Ser1201Ala (NM_001083602.3); c.3796T>G, p.Ser1266Ala (NM_001083603.3); c.3346T>G, p.Ser1116Ala (NM_001083604.3, NM_001083605.3, NM_001083606.3 and 1 more transcripts); c.3643T>G, p.Ser1215Ala (NM_001354918.2); short protein forms S1116A, S1266A, S1201A, S1267A, S1215A.
Identifiers: ClinVar variation 824228 (VCV000824228.4), dbSNP rs1588516614, ClinGen allele CA374110911.